The following is an entry in ClinVar:

ClinVar aggregate classification (germline): Uncertain significance (1 of 4 stars; one submission).

Conditions:
Progressive familial heart block type IB (PFHB1B). Identifiers: Orphanet 871, MedGen C1970298, MONDO:0011474, OMIM 604559.

Submission:

Labcorp Genetics (formerly Invitae), Labcorp
Classification: Uncertain significance for Progressive familial heart block type IB. Last evaluated: 2025-10-23. Review status: criteria provided, single submitter. Criteria: Invitae Variant Classification Sherloc (09022015). Collection method: clinical testing. Allele origin: germline.
Comment: This sequence change creates a premature translational stop signal (p.Val912Argfs*13) in the TRPM4 gene. It is expected to result in an absent or disrupted protein product. However, the current clinical and genetic evidence is not sufficient to establish whether loss-of-function variants in TRPM4 cause disease. This variant is not present in population databases (gnomAD no frequency). This variant has not been reported in the literature in individuals affected with TRPM4-related conditions. In summary, the available evidence is currently insufficient to determine the role of this variant in disease. Therefore, it has been classified as a Variant of Uncertain Significance.

NM_017636.4(TRPM4):c.2732_2733dup (p.Val912fs)

Gene: TRPM4 (transient receptor potential cation channel subfamily M member 4; plus strand). Cytogenetic location: 19q13.33.
Variant type: Duplication.
Coding change: c.2732_2733dup on transcript NM_017636.4 (MANE Select); coding-DNA positions 2732 to 2733, 2 bases duplicated (CG; older notation c.2732_2733dupCG).
Protein change: p.Val912fs; shifts the reading frame from valine 912.
Molecular consequence: frameshift variant.
Genome position (GRCh38, 1-based): chr19:49,200,386-49,200,387, CG duplicated. VCF-style (leftmost placement, unchanged base first): chr19-49200385-A-ACG. GRCh37 (hg19) VCF-style: chr19-49703642-A-ACG.
Other names: c.2297_2298dup, p.Val767fs (NM_001195227.2); c.2387_2388dup, p.Val797fs (NM_001321281.2); c.1124_1125dup, p.Val376fs (NM_001321282.2); c.2210_2211dup, p.Val738fs (NM_001321283.2); c.1670_1671dup, p.Val558fs (NM_001321285.2); short protein forms V376fs, V738fs, V912fs, V558fs, V797fs, V767fs.
Identifiers: ClinVar variation 4729737 (VCV004729737.1).
Genomic context (GRCh38, chr19:49,200,385, plus strand): 5'-GGCCGCACTGTCCTCTGCATCGACTTCATGGTTTTCACGGTGCGGCTGCTTCACATCTTC[A>ACG]CGGTCAACAAACAGCTGGGGCCCAAGATCGTCATCGTGAGCAAGATGGTGAGGCAGGGGC-3'